The following is an entry in ClinVar:

NM_004181.5(UCHL1):c.45+15_45+24dup

Gene: UCHL1 (ubiquitin C-terminal hydrolase L1; plus strand). Cytogenetic location: 4p13.
Variant type: Duplication.
Coding change: c.45+15_45+24dup on transcript NM_004181.5 (MANE Select); bases 15 to 24 of the intron after coding-DNA position 45, 10 bases duplicated (GCGCCGTCTC; older notation c.45+15_45+24dupGCGCCGTCTC).
Molecular consequence: intron variant.
Genome position (GRCh38, 1-based): chr4:41,257,141-41,257,150, GCGCCGTCTC duplicated; duplicating any 10 consecutive bases within chr4:41,257,135-41,257,150 gives the same sequence; the c. name uses the placement nearest the transcript's 3' end. VCF-style (leftmost placement, unchanged base first): chr4-41257134-G-GCGTCTCGCGC. GRCh37 (hg19) VCF-style: chr4-41259151-G-GCGTCTCGCGC.
Other names: p.?.
Identifiers: ClinVar variation 1546966 (VCV001546966.9), dbSNP rs781732745, ClinGen allele CA2899889.
Genomic context (GRCh38, chr4:41,257,134, plus strand): 5'-ATCGGTTCGGTTTTGCCTTTTTCTTTGCATTTGCCTTTCAGATGCTGAACAAAGTGAGTG[G>GCGTCTCGCGC]CGTCTCGCGCCGTCTCTGGCCCCCTCCCCCGCGAGCGCCGAGGCGGGGGCGCCCACCGGT-3'

ClinVar aggregate classification (germline): Likely benign. Review status: criteria provided, multiple submitters, no conflicts (2 of 4 stars). 2 submissions from 2 submitters: Likely benign (2). Last evaluated 2025-10-20.

Submissions (2):

Labcorp Genetics (formerly Invitae), Labcorp
Classification: Likely benign. Last evaluated: 2025-10-20. Review status: criteria provided, single submitter. Criteria: Invitae Variant Classification Sherloc (09022015). Collection method: clinical testing. Allele origin: germline.

Mayo Clinic Laboratories, Mayo Clinic
Classification: Likely benign. Last evaluated: 2025-10-07. Review status: criteria provided, single submitter. Criteria: ACMG Guidelines, 2015. Collection method: clinical testing. Allele origin: germline. Observed: 1 variant allele.
Comment: BS1, BP4, BP7